The following is an entry in ClinVar:

ClinVar aggregate classification (germline): Uncertain significance (1 of 4 stars; one submission).

Conditions:
Joubert syndrome. Also called: CEREBELLOPARENCHYMAL DISORDER IV; JOUBERT-BOLTSHAUSER SYNDROME; Familial aplasia of the vermis. Identifiers: Orphanet 475, MedGen C5979921, MONDO:0018772.
Meckel-Gruber syndrome. Also called: DYSENCEPHALIA SPLANCHNOCYSTICA; GRUBER SYNDROME; Dysencephalia splachnocystica. Identifiers: Orphanet 564, MedGen C0265215, MONDO:0018921.

Submission:

Labcorp Genetics (formerly Invitae), Labcorp
Classification: Uncertain significance for Joubert syndrome; Meckel-Gruber syndrome. Last evaluated: 2022-03-04. Review status: criteria provided, single submitter. Criteria: Invitae Variant Classification Sherloc (09022015). Collection method: clinical testing. Allele origin: germline.
Comment: This variant is not present in population databases (gnomAD no frequency). This sequence change replaces proline, which is neutral and non-polar, with alanine, which is neutral and non-polar, at codon 120 of the B9D1 protein (p.Pro120Ala). This variant has not been reported in the literature in individuals affected with B9D1-related conditions. Algorithms developed to predict the effect of missense changes on protein structure and function (SIFT, PolyPhen-2, Align-GVGD) all suggest that this variant is likely to be tolerated. In summary, the available evidence is currently insufficient to determine the role of this variant in disease. Therefore, it has been classified as a Variant of Uncertain Significance.

NM_015681.6(B9D1):c.358C>G (p.Pro120Ala)

Gene: B9D1 (B9 domain containing 1; minus strand). Cytogenetic location: 17p11.2.
Variant type: single nucleotide variant.
Coding change: c.358C>G on transcript NM_015681.6 (MANE Select); coding-DNA position 358, C replaced by G.
Protein change: p.Pro120Ala; replaces proline 120 with alanine.
Molecular consequence: missense variant. On other transcripts: 5 prime UTR variant (1).
Genome position (GRCh38, 1-based): chr17:19,347,315, G>C on the plus strand (C>G on the coding strand, the complement: B9D1 is on the minus strand). VCF-style: chr17-19347315-G-C. GRCh37 (hg19) VCF-style: chr17-19250628-G-C.
Other names: c.358C>G, p.Pro120Ala (NM_001321214.2, NM_001321215.3, NM_001321216.2 and 4 more transcripts); c.-3C>G (NM_001368769.2); short protein forms P120A.
Identifiers: ClinVar variation 2105797 (VCV002105797.4), dbSNP rs2508543711, ClinGen allele CA398695928.